The following is an entry in ClinVar:

NM_007227.3(GPR45):c.372C>A (p.Ile124=)

Gene: GPR45 (G protein-coupled receptor 45; plus strand). Cytogenetic location: 2q12.1.
Variant type: single nucleotide variant.
Coding change: c.372C>A on transcript NM_007227.3 (MANE Select); coding-DNA position 372, C replaced by A.
Protein change: p.Ile124=; no amino-acid change (isoleucine 124 retained).
Molecular consequence: synonymous variant.
Genome position (GRCh38, 1-based): chr2:105,242,230, C>A. VCF-style: chr2-105242230-C-A. GRCh37 (hg19) VCF-style: chr2-105858687-C-A.
Identifiers: ClinVar variation 2720100 (VCV002720100.3), dbSNP rs2466838072, ClinGen allele CA428208419.
Genomic context (GRCh38, chr2:105,242,230, plus strand): 5'-CCACTTCTGCCGCCTCTCAGCCACGCTCTACTGGTTTTTTGTCCTGGAGGGCGTGGCCAT[C>A]CTGCTCATCATCAGCGTGGACCGCTTCCTCATCATCGTCCAGCGCCAGGACAAGCTGAAC-3'
Protein context (NP_009158.3, residues 114-134): YWFFVLEGVA[Ile124=]LLIISVDRFL

ClinVar aggregate classification (germline): Uncertain significance (1 of 4 stars; one submission).

Submission:

Labcorp Genetics (formerly Invitae), Labcorp
Classification: Uncertain significance. Last evaluated: 2023-06-20. Review status: criteria provided, single submitter. Criteria: Invitae Variant Classification Sherloc (09022015). Collection method: clinical testing. Allele origin: germline.
Comment: In summary, the available evidence is currently insufficient to determine the role of this variant in disease. Therefore, it has been classified as a Variant of Uncertain Significance. This variant has not been reported in the literature in individuals affected with GPR45-related conditions. This variant is not present in population databases (gnomAD no frequency). This sequence change affects codon 124 of the GPR45 mRNA. It is a 'silent' change, meaning that it does not change the encoded amino acid sequence of the GPR45 protein.